The following is an entry in ClinVar:

NM_007055.4(POLR3A):c.1170A>G (p.Leu390=)

Gene: POLR3A (RNA polymerase III subunit A; minus strand). Cytogenetic location: 10q22.3.
Variant type: single nucleotide variant.
Coding change: c.1170A>G on transcript NM_007055.4 (MANE Select); coding-DNA position 1170, A replaced by G.
Protein change: p.Leu390=; no amino-acid change (leucine 390 retained).
Molecular consequence: synonymous variant.
Genome position (GRCh38, 1-based): chr10:78,021,561, T>C on the plus strand (A>G on the coding strand, the complement: POLR3A is on the minus strand). VCF-style: chr10-78021561-T-C. GRCh37 (hg19) VCF-style: chr10-79781319-T-C.
Other names: c.1170A>G (NM_007055.3).
Identifiers: ClinVar variation 1544096 (VCV001544096.10), dbSNP rs148659542, ClinGen allele CA5571526.

ClinVar aggregate classification (germline): Likely benign. Review status: criteria provided, multiple submitters, no conflicts (2 of 4 stars). 3 submissions from 3 submitters: Likely benign (3). Last evaluated 2026-07-29.

Conditions:
POLR3A-related disorder. Also called: POLR3A-related condition; POLR3A-related disorders. Identifiers: MedGen CN378587, MONDO:0700276.

Allele frequency attached by ClinVar (database versions not stated): gnomAD exomes 0.00005; ESP Exome Variant Server 0.00008; ExAC 0.00010; 1000 Genomes Project 30x 0.00016; 1000 Genomes Project 0.00020; gnomAD 0.00021 and 0.00025.
gnomAD v4.1: 63 of 1,614,044 alleles (0.0039%); highest among the groups gnomAD compares: African/African-American, 0.06%; no homozygotes.

Submissions (3):

PreventionGenetics, part of Exact Sciences
Classification: Likely benign for POLR3A-related condition. Last evaluated: 2026-07-29. Review status: criteria provided, single submitter. Criteria: ACMG Guidelines, 2015. Collection method: clinical testing. Allele origin: germline.
Comment: This variant is classified as likely benign based on ACMG/AMP sequence variant interpretation guidelines (Richards et al. 2015 PMID: 25741868, with internal and published modifications).

Labcorp Genetics (formerly Invitae), Labcorp
Classification: Likely benign. Last evaluated: 2025-09-08. Review status: criteria provided, single submitter. Criteria: Invitae Variant Classification Sherloc (09022015). Collection method: clinical testing. Allele origin: germline.

Blueprint Genetics
Classification: Likely benign. Last evaluated: 2024-10-07. Review status: criteria provided, single submitter. Criteria: ACMG Guidelines, 2015. Collection method: clinical testing. Allele origin: germline.